The following is an entry in ClinVar:

ClinVar aggregate classification (germline): Uncertain significance (1 of 4 stars; one submission).

Conditions:
Dilated cardiomyopathy 1JJ (CMD1JJ). Identifiers: Orphanet 154, MedGen C3808935, MONDO:0014095, OMIM 615235.

Submission:

Labcorp Genetics (formerly Invitae), Labcorp
Classification: Uncertain significance for Dilated cardiomyopathy 1JJ. Last evaluated: 2024-11-28. Review status: criteria provided, single submitter. Criteria: Invitae Variant Classification Sherloc (09022015). Collection method: clinical testing. Allele origin: germline.
Comment: This sequence change replaces proline, which is neutral and non-polar, with threonine, which is neutral and polar, at codon 911 of the LAMA4 protein (p.Pro911Thr). This variant is not present in population databases (gnomAD no frequency). This variant has not been reported in the literature in individuals affected with LAMA4-related conditions. Invitae Evidence Modeling of protein sequence and biophysical properties (such as structural, functional, and spatial information, amino acid conservation, physicochemical variation, residue mobility, and thermodynamic stability) indicates that this missense variant is not expected to disrupt LAMA4 protein function with a negative predictive value of 80%. In summary, the available evidence is currently insufficient to determine the role of this variant in disease. Therefore, it has been classified as a Variant of Uncertain Significance.

NM_001105206.3(LAMA4):c.2752C>A (p.Pro918Thr)

Genes: LAMA4 (laminin subunit alpha 4; minus strand), LOC126859766 (MED14-independent group 3 enhancer GRCh37_chr6:112462018-112463217; plus strand). Cytogenetic location: 6q21.
Variant type: single nucleotide variant.
Coding change: c.2752C>A on transcript NM_001105206.3 (MANE Select); coding-DNA position 2752, C replaced by A.
Protein change: p.Pro918Thr; replaces proline 918 with threonine.
Molecular consequence: missense variant.
Genome position (GRCh38, 1-based): chr6:112,141,419, G>T on the plus strand (C>A on the coding strand, the complement: LAMA4 is on the minus strand). VCF-style: chr6-112141419-G-T. GRCh37 (hg19) VCF-style: chr6-112462621-G-T.
Other names: c.2731C>A, p.Pro911Thr (NM_001105207.3, NM_002290.5); short protein forms P918T, P911T.
Identifiers: ClinVar variation 3649466 (VCV003649466.2).